The following is an entry in ClinVar:

NM_018010.4(IFT57):c.1029_1030insTC (p.Arg344fs)

Gene: IFT57 (intraflagellar transport 57; minus strand). Cytogenetic location: 3q13.12.
Variant type: Insertion.
Coding change: c.1029_1030insTC on transcript NM_018010.4 (MANE Select); coding-DNA positions 1029 to 1030, TC inserted.
Protein change: p.Arg344fs; shifts the reading frame from arginine 344.
Molecular consequence: frameshift variant.
Genome position: GRCh38 VCF-style: chr3-108165445-T-TGA. GRCh37 (hg19) VCF-style: chr3-107884292-T-TGA.
Other names: short protein forms R344fs.
Identifiers: ClinVar variation 3685477 (VCV003685477.2).

ClinVar aggregate classification (germline): Uncertain significance (1 of 4 stars; one submission).

Submission:

Labcorp Genetics (formerly Invitae), Labcorp
Classification: Uncertain significance. Last evaluated: 2024-12-22. Review status: criteria provided, single submitter. Criteria: Invitae Variant Classification Sherloc (09022015). Collection method: clinical testing. Allele origin: germline.
Comment: This sequence change creates a premature translational stop signal (p.Arg344Serfs*11) in the IFT57 gene. It is expected to result in an absent or disrupted protein product. However, the current clinical and genetic evidence is not sufficient to establish whether loss-of-function variants in IFT57 cause disease. This variant is not present in population databases (gnomAD no frequency). This variant has not been reported in the literature in individuals affected with IFT57-related conditions. In summary, the available evidence is currently insufficient to determine the role of this variant in disease. Therefore, it has been classified as a Variant of Uncertain Significance.